The following is an entry in ClinVar:

ClinVar aggregate classification (germline): Uncertain significance. Review status: criteria provided, multiple submitters, no conflicts (2 of 4 stars). 2 submissions from 2 submitters: Uncertain significance (2). Last evaluated 2025-03-20.

Conditions:
Familial adenomatous polyposis 1 (FAP1). Also called: FAMILIAL ADENOMATOUS POLYPOSIS 1, ATTENUATED; POLYPOSIS, ADENOMATOUS INTESTINAL. Identifiers: MedGen C2713442, MONDO:0021056, OMIM 175100. Disease mechanism: loss of function.
Hereditary cancer-predisposing syndrome. Also called: Neoplastic Syndromes, Hereditary; Tumor predisposition; Hereditary Cancer Syndrome; Hereditary neoplastic syndrome. Identifiers: Orphanet 140162, MedGen C0027672, MeSH D009386, MONDO:0015356.

Submissions (2):

Labcorp Genetics (formerly Invitae), Labcorp
Classification: Uncertain significance for Familial adenomatous polyposis 1. Last evaluated: 2025-03-20. Review status: criteria provided, single submitter. Criteria: Invitae Variant Classification Sherloc (09022015). Collection method: clinical testing. Allele origin: germline.
Comment: This sequence change replaces isoleucine, which is neutral and non-polar, with asparagine, which is neutral and polar, at codon 655 of the APC protein (p.Ile655Asn). This variant is not present in population databases (gnomAD no frequency). This variant has not been reported in the literature in individuals affected with APC-related conditions. ClinVar contains an entry for this variant (Variation ID: 3410492). Invitae Evidence Modeling of protein sequence and biophysical properties (such as structural, functional, and spatial information, amino acid conservation, physicochemical variation, residue mobility, and thermodynamic stability) indicates that this missense variant is not expected to disrupt APC protein function with a negative predictive value of 95%. In summary, the available evidence is currently insufficient to determine the role of this variant in disease. Therefore, it has been classified as a Variant of Uncertain Significance.

Ambry Genetics
Classification: Uncertain significance for Hereditary cancer-predisposing syndrome. Last evaluated: 2024-08-20. Review status: criteria provided, single submitter. Criteria: Ambry Variant Classification Scheme 2023. Collection method: clinical testing. Allele origin: germline.
Comment: The p.I655N variant (also known as c.1964T>A), located in coding exon 15 of the APC gene, results from a T to A substitution at nucleotide position 1964. The isoleucine at codon 655 is replaced by asparagine, an amino acid with dissimilar properties. This amino acid position is conserved. In addition, in silico predictors for this gene do not accurately predict pathogenicity. Based on the available evidence, the clinical significance of this variant remains unclear.

NM_000038.6(APC):c.1964T>A (p.Ile655Asn)

Gene: APC (APC regulator of Wnt signaling pathway; plus strand). Cytogenetic location: 5q22.2.
Variant type: single nucleotide variant.
Coding change: c.1964T>A on transcript NM_000038.6 (MANE Select); coding-DNA position 1964, T replaced by A.
Protein change: p.Ile655Asn; replaces isoleucine 655 with asparagine.
Molecular consequence: missense variant. On other transcripts: non-coding transcript variant (2).
Genome position (GRCh38, 1-based): chr5:112,837,558, T>A. VCF-style: chr5-112837558-T-A. GRCh37 (hg19) VCF-style: chr5-112173255-T-A.
Other names: c.1964T>A, p.Ile655Asn (NM_001127510.3, NM_001354895.2, NM_001407450.1); c.1910T>A, p.Ile637Asn (NM_001127511.3); c.2018T>A, p.Ile673Asn (NM_001354896.2, NM_001407447.1, NM_001407448.1 and 1 more transcripts); c.1994T>A, p.Ile665Asn (NM_001354897.2); c.1889T>A, p.Ile630Asn (NM_001354898.2); c.1880T>A, p.Ile627Asn (NM_001354899.2); c.1841T>A, p.Ile614Asn (NM_001354900.2); c.1787T>A, p.Ile596Asn (NM_001354901.2, NM_001407453.1); and 11 more; short protein forms I372N, I526N, I572N, I614N, I665N, I495N, I564N, I630N.
Identifiers: ClinVar variation 3410492 (VCV003410492.2).